The following is an entry in ClinVar:

NM_002528.7(NTHL1):c.686-14T>A

Gene: NTHL1 (nth like DNA glycosylase 1; minus strand). Cytogenetic location: 16p13.3.
Variant type: single nucleotide variant.
Coding change: c.686-14T>A on transcript NM_002528.7 (MANE Select); 14 bases into the intron before coding-DNA position 686, T replaced by A.
Molecular consequence: intron variant.
Genome position (GRCh38, 1-based): chr16:2,040,252, A>T on the plus strand (T>A on the coding strand, the complement: NTHL1 is on the minus strand). VCF-style: chr16-2040252-A-T. GRCh37 (hg19) VCF-style: chr16-2090253-A-T.
Other names: c.356-14T>A (NM_001318194.2); c.515-14T>A (NM_001318193.2).
Identifiers: ClinVar variation 3725937 (VCV003725937.2).

ClinVar aggregate classification (germline): Uncertain significance (1 of 4 stars; one submission).

gnomAD v4.1: 1 of 1,611,072 alleles (0.000062%); highest among the groups gnomAD compares: Non-Finnish European, 0.000085%; no homozygotes.

Submission:

Labcorp Genetics (formerly Invitae), Labcorp
Classification: Uncertain significance. Last evaluated: 2024-11-24. Review status: criteria provided, single submitter. Criteria: Invitae Variant Classification Sherloc (09022015). Collection method: clinical testing. Allele origin: germline.
Comment: This sequence change falls in intron 4 of the NTHL1 gene. It does not directly change the encoded amino acid sequence of the NTHL1 protein. This variant is not present in population databases (gnomAD no frequency). This variant has not been reported in the literature in individuals affected with NTHL1-related conditions. Algorithms developed to predict the effect of sequence changes on RNA splicing suggest that this variant may disrupt the consensus splice site. In summary, the available evidence is currently insufficient to determine the role of this variant in disease. Therefore, it has been classified as a Variant of Uncertain Significance.